The following is an entry in ClinVar:

ClinVar aggregate classification (germline): Pathogenic (1 of 4 stars; one submission).

Conditions:
Platelet-type bleeding disorder 17 (BDPLT17). Also called: Thrombasthenia-thrombocytopenia, hereditary. Identifiers: Orphanet 721, MedGen C1861194, MONDO:0008553, OMIM 187900.

Submission:

ISTH-SSC Genomics in Thrombosis and Hemostasis, KU Leuven, Center for Molecular and Vascular Biology
Classification: Pathogenic for Platelet-type bleeding disorder 17. Review status: criteria provided, single submitter. Criteria: ACMG Guidelines, 2015. Collection method: clinical testing. Allele origin: germline. Affected: yes. Observed: 1 heterozygote.
Comment: Submitted to GoldVariant by Jose María Bastida and José Rivera; Grupo Español de Alteraciones Plaquetarias Congénitas (GEAPC)

NM_001377304.1(GFI1B):c.520A>G (p.Thr174Ala)

Gene: GFI1B (growth factor independent 1B transcriptional repressor; plus strand). Cytogenetic location: 9q34.13.
Variant type: single nucleotide variant.
Coding change: c.520A>G on transcript NM_001377304.1 (MANE Select); coding-DNA position 520, A replaced by G.
Protein change: p.Thr174Ala; replaces threonine 174 with alanine.
Molecular consequence: missense variant. On other transcripts: intron variant (2).
Genome position (GRCh38, 1-based): chr9:132,989,070, A>G. VCF-style: chr9-132989070-A-G. GRCh37 (hg19) VCF-style: chr9-135864457-A-G.
Other names: c.520A>G, p.Thr174Ala (NM_001371908.1, NM_004188.8); c.510+602A>G (NM_001135031.2, NM_001377305.1); short protein forms T174A.
Identifiers: ClinVar variation 1703853 (VCV001703853.2), dbSNP rs762304847, ClinGen allele CA200899192.